The following is an entry in ClinVar:

ClinVar aggregate classification (germline): Uncertain significance. Review status: criteria provided, multiple submitters, no conflicts (2 of 4 stars). 2 submissions from 2 submitters: Uncertain significance (2). Last evaluated 2023-12-01.

Conditions:
Hereditary cancer-predisposing syndrome. Also called: Neoplastic Syndromes, Hereditary; Tumor predisposition; Hereditary Cancer Syndrome; Hereditary neoplastic syndrome. Identifiers: Orphanet 140162, MedGen C0027672, MeSH D009386, MONDO:0015356.
Gastrointestinal stromal tumor. Also called: Gastrointestinal stromal tumor, somatic; Gastrointestinal stroma tumor. Identifiers: Orphanet 44890, MedGen C0238198, MeSH D046152, MONDO:0011719, OMIM 606764, HP:0100723.

Allele frequency attached by ClinVar (database versions not stated): gnomAD exomes below 0.00001.
gnomAD v4.1: 1 of 1,606,390 alleles (0.000062%); highest among the groups gnomAD compares: Non-Finnish European, 0.000085%; no homozygotes.

Submissions (2):

Ambry Genetics
Classification: Uncertain significance for Hereditary cancer-predisposing syndrome. Last evaluated: 2023-12-01. Review status: criteria provided, single submitter. Criteria: Ambry Variant Classification Scheme 2023. Collection method: clinical testing. Allele origin: germline.
Comment: The p.I949M variant (also known as c.2847T>G), located in coding exon 20 of the PDGFRA gene, results from a T to G substitution at nucleotide position 2847. The isoleucine at codon 949 is replaced by methionine, an amino acid with highly similar properties. This amino acid position is conserved. In addition, this alteration is predicted to be tolerated by in silico analysis. Since supporting evidence is limited at this time, the clinical significance of this alteration remains unclear.

Labcorp Genetics (formerly Invitae), Labcorp
Classification: Uncertain significance for Gastrointestinal stromal tumor. Last evaluated: 2023-03-03. Review status: criteria provided, single submitter. Criteria: Invitae Variant Classification Sherloc (09022015). Collection method: clinical testing. Allele origin: germline.
Comment: This sequence change replaces isoleucine, which is neutral and non-polar, with methionine, which is neutral and non-polar, at codon 949 of the PDGFRA protein (p.Ile949Met). This variant is not present in population databases (gnomAD no frequency). This variant has not been reported in the literature in individuals affected with PDGFRA-related conditions. Advanced modeling of protein sequence and biophysical properties (such as structural, functional, and spatial information, amino acid conservation, physicochemical variation, residue mobility, and thermodynamic stability) performed at Invitae indicates that this missense variant is not expected to disrupt PDGFRA protein function. In summary, the available evidence is currently insufficient to determine the role of this variant in disease. Therefore, it has been classified as a Variant of Uncertain Significance.

NM_006206.6(PDGFRA):c.2847T>G (p.Ile949Met)

Gene: PDGFRA (platelet derived growth factor receptor alpha; plus strand). Cytogenetic location: 4q12.
Variant type: single nucleotide variant.
Coding change: c.2847T>G on transcript NM_006206.6 (MANE Select); coding-DNA position 2847, T replaced by G.
Protein change: p.Ile949Met; replaces isoleucine 949 with methionine.
Molecular consequence: missense variant.
Genome position (GRCh38, 1-based): chr4:54,289,081, T>G. VCF-style: chr4-54289081-T-G. GRCh37 (hg19) VCF-style: chr4-55155248-T-G.
Other names: c.2922T>G, p.Ile974Met (NM_001347828.2); c.2847T>G, p.Ile949Met (NM_001347829.2); c.2886T>G, p.Ile962Met (NM_001347830.2); short protein forms I949M, I962M, I974M.
Identifiers: ClinVar variation 2842369 (VCV002842369.4), dbSNP rs2475561168, ClinGen allele CA356895816.